The following is an entry in ClinVar:

ClinVar aggregate classification (germline): Uncertain significance (1 of 4 stars; one submission).

Conditions:
Heterotopia, periventricular, X-linked dominant (PVNH1). Also called: PERIVENTRICULAR NODULAR HETEROTOPIA 1; X-linked periventricular heterotopia; PERIVENTRICULAR NODULAR HETEROTOPIA 4; HETEROTOPIA, PERIVENTRICULAR, 1. Identifiers: Orphanet 2149, Orphanet 82004, MedGen C1848213, MONDO:0010233, OMIM 300049.
Melnick-Needles syndrome (MNS). Also called: Melnick-Needles Syndrome (FLNA-MNS); MELNICK-NEEDLES OSTEODYSPLASTY; OSTEODYSPLASTY OF MELNICK AND NEEDLES. Identifiers: Orphanet 2484, MedGen C0025237, MONDO:0010650, OMIM 309350.
Frontometaphyseal dysplasia (FMD1). Identifiers: Orphanet 1826, MedGen C0265293, MONDO:0015942.
Oto-palato-digital syndrome, type II (OPD2). Also called: Otopalatodigital Syndrome Type 2 (FLNA-OPD2); FACIOPALATOOSSEOUS SYNDROME; OPD II SYNDROME; Otopalatodigital Syndrome, Type II. Identifiers: Orphanet 669, Orphanet 90652, MedGen C1844696, MONDO:0010571, OMIM 304120.

Submission:

Labcorp Genetics (formerly Invitae), Labcorp
Classification: Uncertain significance for Oto-palato-digital syndrome, type II; Heterotopia, periventricular, X-linked dominant; Frontometaphyseal dysplasia; Melnick-Needles syndrome. Last evaluated: 2022-08-23. Review status: criteria provided, single submitter. Criteria: Invitae Variant Classification Sherloc (09022015). Collection method: clinical testing. Allele origin: germline.
Comment: This sequence change replaces methionine, which is neutral and non-polar, with valine, which is neutral and non-polar, at codon 1316 of the FLNA protein (p.Met1316Val). This variant is not present in population databases (gnomAD no frequency). This variant has not been reported in the literature in individuals affected with FLNA-related conditions. ClinVar contains an entry for this variant (Variation ID: 1515402). Advanced modeling of protein sequence and biophysical properties (such as structural, functional, and spatial information, amino acid conservation, physicochemical variation, residue mobility, and thermodynamic stability) performed at Invitae indicates that this missense variant is not expected to disrupt FLNA protein function. In summary, the available evidence is currently insufficient to determine the role of this variant in disease. Therefore, it has been classified as a Variant of Uncertain Significance.

NM_001110556.2(FLNA):c.3946A>G (p.Met1316Val)

Gene: FLNA (filamin A; minus strand). Cytogenetic location: Xq28.
Variant type: single nucleotide variant.
Coding change: c.3946A>G on transcript NM_001110556.2 (MANE Select); coding-DNA position 3946, A replaced by G.
Protein change: p.Met1316Val; replaces methionine 1316 with valine.
Molecular consequence: missense variant.
Genome position (GRCh38, 1-based): chrX:154,359,765, T>C on the plus strand (A>G on the coding strand, the complement: FLNA is on the minus strand). VCF-style: chrX-154359765-T-C. GRCh37 (hg19) VCF-style: chrX-153588133-T-C.
Other names: c.3946A>G, p.Met1316Val (NM_001456.4); short protein forms M1316V.
Identifiers: ClinVar variation 1515402 (VCV001515402.6), dbSNP rs2148111681, ClinGen allele CA415221505.